The following is an entry in ClinVar:

NM_002181.4(IHH):c.298G>A (p.Asp100Asn)

Gene: IHH (Indian hedgehog signaling molecule; minus strand). Cytogenetic location: 2q35.
Variant type: single nucleotide variant.
Coding change: c.298G>A on transcript NM_002181.4 (MANE Select); coding-DNA position 298, G replaced by A.
Protein change: p.Asp100Asn; replaces aspartic acid 100 with asparagine.
Molecular consequence: missense variant.
Genome position (GRCh38, 1-based): chr2:219,060,170, C>T on the plus strand (G>A on the coding strand, the complement: IHH is on the minus strand). VCF-style: chr2-219060170-C-T. GRCh37 (hg19) VCF-style: chr2-219924892-C-T.
Other names: c.298G>A (NM_002181.3); short protein forms D100N.
Identifiers: ClinVar variation 8869 (VCV000008869.10), dbSNP rs121917855, ClinGen allele CA119976.
Genomic context (GRCh38, chr2:219,060,170, plus strand): 5'-CGTGCTTCGGTGGCGGCGCGCTGGTAGGGCGGATCGCGCTCACCTGGGTCATGAGGCGGT[C>T]GGCGCCTGTGTTCTCCTCGTCCTTGAAGATGATGTCTGGATTGTAATTGGGGGTGAGCTC-3'
Protein context (NP_002172.2, residues 90-110): IFKDEENTGA[Asp100Asn]RLMTQRCKDR

ClinVar aggregate classification (germline): Pathogenic. Review status: criteria provided, multiple submitters, no conflicts (2 of 4 stars). 7 submissions from 7 submitters: Pathogenic (6). 1 of the submissions does not count toward it. Last evaluated 2026-02-13.

Conditions:
IHH-Related Disorders.
Brachydactyly type A1A. Identifiers: MedGen CN295859, MONDO:0020701.
Brachydactyly type A1. Also called: SHORT STATURE WITH NONSPECIFIC SKELETAL ABNORMALITIES 2; FARABEE-TYPE BRACHYDACTYLY. Identifiers: Orphanet 93388, MedGen C1862151, MONDO:0007215, OMIM 112500, HP:0009371.

Allele frequency attached by ClinVar (database versions not stated): gnomAD exomes below 0.00001.
gnomAD v4.1: 3 of 1,610,800 alleles (0.00019%); highest among the groups gnomAD compares: Non-Finnish European, 0.00025%; no homozygotes.

Submissions (7):

Dasa
Classification: Pathogenic. Last evaluated: 2026-02-13. Review status: criteria provided, single submitter. Criteria: DASA Assertion Criteria. Collection method: clinical testing. Allele origin: germline.
Comment: NM_002181.4(IHH):c.298G>A (p.Asp100Asn) is a missense variant that results in the substitution of aspartic acid with asparagine. The affected residue or protein region has prior evidence supporting clinical relevance. De novo occurrence has been reported in an individual with related phenotype. Functional evidence supports a deleterious effect on the gene or gene product (PMID: 32311039; PMID: 31502745; PMID: 28794911; PMID: 25696018; PMID: 32209048). This variant has been recurrently observed in individuals with related phenotype (PMID: 32311039; PMID: 31502745; PMID: 28794911; PMID: 25696018; PMID: 32209048). Multiple computational predictions support a deleterious effect on the gene or gene product. The variant is present at low frequency in population datasets. Based on the available data, this variant is classified as pathogenic.

Labcorp Genetics (formerly Invitae), Labcorp
Classification: Pathogenic. Last evaluated: 2024-07-12. Review status: criteria provided, single submitter. Criteria: Invitae Variant Classification Sherloc (09022015). Collection method: clinical testing. Allele origin: germline.
Comment: This sequence change replaces aspartic acid, which is acidic and polar, with asparagine, which is neutral and polar, at codon 100 of the IHH protein (p.Asp100Asn). This variant is not present in population databases (gnomAD no frequency). This missense change has been observed in individual(s) with brachydactyly (PMID: 12384778, 28794911). It has also been observed to segregate with disease in related individuals. ClinVar contains an entry for this variant (Variation ID: 8869). Advanced modeling of protein sequence and biophysical properties (such as structural, functional, and spatial information, amino acid conservation, physicochemical variation, residue mobility, and thermodynamic stability) performed at Invitae indicates that this missense variant is expected to disrupt IHH protein function with a positive predictive value of 80%. For these reasons, this variant has been classified as Pathogenic.

3billion
Classification: Pathogenic for Brachydactyly type A1. Last evaluated: 2024-06-28. Review status: criteria provided, single submitter. Criteria: ACMG Guidelines, 2015. Collection method: clinical testing. Allele origin: germline. Affected: yes.
Comment: The variant is observed at an extremely low frequency in the gnomAD v4.0.0 dataset (total allele frequency: <0.001%). Predicted Consequence/Location: Missense variant In silico tool predictions suggest damaging effect of the variant on gene or gene product [REVEL: 0.91 (>=0.6, sensitivity 0.68 and specificity 0.92)]. The same nucleotide change resulting in the same amino acid change has been previously reported as pathogenic/likely pathogenic with strong evidence (ClinVar ID: VCV000008869 /PMID: 12384778 /3billion dataset).The variant has been observed in multiple (>3) similarly affected unrelated individuals (PMID: 12384778, 12566523, 17486609, 19277064).The variant has been reported to co-segregate with the disease in at least 7 similarly affected relatives/individuals in at least two unrelated families (PMID: 19277064).Different missense changes at the same codon (p.Asp100Glu, p.Asp100Gly) have been reported to be associated with IHH related disorder (ClinVar ID: VCV000008868 /PMID: 11455389, 25696018, 32209048). Therefore, this variant is classified as Pathogenic according to the recommendation of ACMG/AMP guideline.

GeneDx
Classification: Pathogenic. Last evaluated: 2023-10-04. Review status: criteria provided, single submitter. Criteria: GeneDx Variant Classification Process June 2021. Collection method: clinical testing. Allele origin: germline. Affected: yes.
Comment: No data available from control populations to assess the frequency of this variant; In silico analysis supports that this missense variant has a deleterious effect on protein structure/function; This variant is associated with the following publications: (PMID: 15886999, 28794911, 17486609, 12384778, 19277064, 12566523, 25696018, 21537345, 34315464, 32209048)

Blueprint Genetics
Classification: Pathogenic for IHH-related disorders. Last evaluated: 2017-07-15. Review status: criteria provided, single submitter. Criteria: ACMG Guidelines, 2015. Collection method: clinical testing. Allele origin: germline. Affected: yes. Observed: 1 variant allele.

Kasturba Medical College, Manipal, Kasturba Medical College, Manipal, Manipal Academy of Higher Education, Manipal, India
Classification: Pathogenic for Brachydactyly type A1. Review status: criteria provided, single submitter. Criteria: ACMG Guidelines, 2015. Collection method: clinical testing. Allele origin: de novo. Inheritance: Autosomal recessive inheritance. Affected: yes.

OMIM
Classification: Pathogenic for BRACHYDACTYLY, TYPE A1. Last evaluated: 2009-09-01. Review status: no assertion criteria provided. Collection method: literature only. Allele origin: germline. Not counted in ClinVar's aggregate classification.

Literature cited by the submitters: PubMed 32311039 (cited by Dasa); PubMed 31502745 (cited by Dasa); PubMed 28794911 (cited by Dasa and Labcorp Genetics (formerly Invitae), Labcorp); PubMed 25696018 (cited by Dasa); PubMed 32209048 (cited by Dasa); PubMed 12384778 (cited by 4 submitters); PubMed 19277064 (cited by 3billion and OMIM); PubMed 12566523 (cited by 3billion and OMIM); PubMed 17486609 (cited by 3billion and OMIM); PubMed 11455389 (cited by 3billion); Drinkwater, H. An account of a brachydactylous family. Proc. Royal Soc. Edinburgh 28: 35-57, 1908. (cited by OMIM); PubMed 16131710 (cited by OMIM); PubMed 15886999 (cited by OMIM); Farabee, W. C. Hereditary and sexual influence in meristic variation: a study of digital malformations in man. Ph.D. Thesis: Harvard Univ. (pub.) 1903. (cited by OMIM); PubMed 14043746 (cited by OMIM).